The following is an entry in ClinVar:

ClinVar aggregate classification (germline): Uncertain significance (1 of 4 stars; one submission).

Conditions:
Giant axonal neuropathy 1 (GAN1). Also called: GIANT AXONAL NEUROPATHY 1, AUTOSOMAL RECESSIVE; GAN-Related Neurodegeneration. Identifiers: Orphanet 643, MedGen C1850386, MONDO:0009749, OMIM 256850.

Allele frequency attached by ClinVar (database versions not stated): gnomAD 0.00001; TOPMed 0.00002; ExAC 0.00006.
gnomAD v4.1: 17 of 1,521,452 alleles (0.0011%); highest among the groups gnomAD compares: East Asian, 0.0027%; no homozygotes.

Submission:

Labcorp Genetics (formerly Invitae), Labcorp
Classification: Uncertain significance for Giant axonal neuropathy 1. Last evaluated: 2022-02-03. Review status: criteria provided, single submitter. Criteria: Invitae Variant Classification Sherloc (09022015). Collection method: clinical testing. Allele origin: germline.
Comment: In summary, the available evidence is currently insufficient to determine the role of this variant in disease. Therefore, it has been classified as a Variant of Uncertain Significance. Algorithms developed to predict the effect of missense changes on protein structure and function (SIFT, PolyPhen-2, Align-GVGD) all suggest that this variant is likely to be tolerated. ClinVar contains an entry for this variant (Variation ID: 465394). This variant has not been reported in the literature in individuals affected with GAN-related conditions. The frequency data for this variant in the population databases is considered unreliable, as metrics indicate poor data quality at this position in the gnomAD database. This sequence change replaces alanine, which is neutral and non-polar, with valine, which is neutral and non-polar, at codon 6 of the GAN protein (p.Ala6Val).

NM_022041.4(GAN):c.17C>T (p.Ala6Val)

Genes: GAN (gigaxonin; plus strand), LOC130059498 (ATAC-STARR-seq lymphoblastoid silent region 7753; plus strand). Cytogenetic location: 16q23.2.
Variant type: single nucleotide variant.
Coding change: c.17C>T on transcript NM_022041.4 (MANE Select); coding-DNA position 17, C replaced by T.
Protein change: p.Ala6Val; replaces alanine 6 with valine.
Molecular consequence: missense variant. On other transcripts: 5 prime UTR variant (1).
Genome position (GRCh38, 1-based): chr16:81,315,130, C>T. VCF-style: chr16-81315130-C-T. GRCh37 (hg19) VCF-style: chr16-81348735-C-T.
Other names: c.-508C>T (NM_001377486.1); short protein forms A6V.
Identifiers: ClinVar variation 465394 (VCV000465394.9), dbSNP rs773384073, ClinGen allele CA8191231.